The following is an entry in ClinVar:

NM_003055.3(SLC18A3):c.408G>A (p.Leu136=)

Genes: CHAT (choline O-acetyltransferase; plus strand), SLC18A3 (solute carrier family 18 member A3; plus strand). Cytogenetic location: 10q11.23.
Variant type: single nucleotide variant.
Coding change: c.408G>A on transcript NM_003055.3 (MANE Select); coding-DNA position 408, G replaced by A.
Protein change: p.Leu136=; no amino-acid change (leucine 136 retained).
Molecular consequence: synonymous variant. On other transcripts: intron variant (1).
Genome position (GRCh38, 1-based): chr10:49,611,148, G>A. VCF-style: chr10-49611148-G-A. GRCh37 (hg19) VCF-style: chr10-50819194-G-A.
Other names: c.-69+1949G>A (NM_020984.4).
Identifiers: ClinVar variation 3710132 (VCV003710132.2).

ClinVar aggregate classification (germline): Uncertain significance (1 of 4 stars; one submission).

gnomAD v4.1: 6 of 1,614,058 alleles (0.00037%); highest among the groups gnomAD compares: Non-Finnish European, 0.00051%; no homozygotes.

Submission:

Labcorp Genetics (formerly Invitae), Labcorp
Classification: Uncertain significance. Last evaluated: 2024-08-15. Review status: criteria provided, single submitter. Criteria: Invitae Variant Classification Sherloc (09022015). Collection method: clinical testing. Allele origin: germline.
Comment: This sequence change affects codon 136 of the SLC18A3 mRNA. It is a 'silent' change, meaning that it does not change the encoded amino acid sequence of the SLC18A3 protein. This variant is present in population databases (no rsID available, gnomAD 0.0009%). This variant has not been reported in the literature in individuals affected with SLC18A3-related conditions. In summary, the available evidence is currently insufficient to determine the role of this variant in disease. Therefore, it has been classified as a Variant of Uncertain Significance.